The following is an entry in ClinVar:

NM_172364.5(CACNA2D4):c.116C>A (p.Pro39Gln)

Gene: CACNA2D4 (calcium voltage-gated channel auxiliary subunit alpha2delta 4; minus strand). Cytogenetic location: 12p13.33.
Variant type: single nucleotide variant.
Coding change: c.116C>A on transcript NM_172364.5 (MANE Select); coding-DNA position 116, C replaced by A.
Protein change: p.Pro39Gln; replaces proline 39 with glutamine.
Molecular consequence: missense variant.
Genome position (GRCh38, 1-based): chr12:1,918,358, G>T on the plus strand (C>A on the coding strand, the complement: CACNA2D4 is on the minus strand). VCF-style: chr12-1918358-G-T. GRCh37 (hg19) VCF-style: chr12-2027524-G-T.
Other names: short protein forms P39Q.
Identifiers: ClinVar variation 1472215 (VCV001472215.8), dbSNP rs193295028, ClinGen allele CA231592358.

ClinVar aggregate classification (germline): Uncertain significance (1 of 4 stars; one submission).

Allele frequency attached by ClinVar (database versions not stated): gnomAD 0.00001; TOPMed 0.00001.
gnomAD v4.1: 10 of 1,607,034 alleles (0.00062%); highest among the groups gnomAD compares: African/African-American, 0.0013%; no homozygotes.

Submission:

Labcorp Genetics (formerly Invitae), Labcorp
Classification: Uncertain significance. Last evaluated: 2021-02-19. Review status: criteria provided, single submitter. Criteria: Invitae Variant Classification Sherloc (09022015). Collection method: clinical testing. Allele origin: germline.
Comment: In summary, the available evidence is currently insufficient to determine the role of this variant in disease. Therefore, it has been classified as a Variant of Uncertain Significance. Algorithms developed to predict the effect of missense changes on protein structure and function output the following: SIFT: "Tolerated"; PolyPhen-2: "Benign"; Align-GVGD: "Class C0". The glutamine amino acid residue is found in multiple mammalian species, suggesting that this missense change does not adversely affect protein function. These predictions have not been confirmed by published functional studies and their clinical significance is uncertain. This variant has not been reported in the literature in individuals with CACNA2D4-related conditions. This variant is not present in population databases (ExAC no frequency). This sequence change replaces proline with glutamine at codon 39 of the CACNA2D4 protein (p.Pro39Gln). The proline residue is weakly conserved and there is a moderate physicochemical difference between proline and glutamine.